The following is an entry in ClinVar:

ClinVar aggregate classification (germline): Uncertain significance (1 of 4 stars; one submission).

Submission:

GeneDx
Classification: Uncertain significance. Last evaluated: 2022-05-31. Review status: criteria provided, single submitter. Criteria: GeneDx Variant Classification Process June 2021. Collection method: clinical testing. Allele origin: germline. Affected: yes.
Comment: Has not been previously published as pathogenic or benign to our knowledge; Not observed at significant frequency in large population cohorts (gnomAD); In silico analysis supports that this missense variant does not alter protein structure/function

NM_002860.4(ALDH18A1):c.1022C>G (p.Thr341Arg)

Gene: ALDH18A1 (aldehyde dehydrogenase 18 family member A1; minus strand). Cytogenetic location: 10q24.1.
Variant type: single nucleotide variant.
Coding change: c.1022C>G on transcript NM_002860.4 (MANE Select); coding-DNA position 1022, C replaced by G.
Protein change: p.Thr341Arg; replaces threonine 341 with arginine.
Molecular consequence: missense variant.
Genome position (GRCh38, 1-based): chr10:95,627,498, G>C on the plus strand (C>G on the coding strand, the complement: ALDH18A1 is on the minus strand). VCF-style: chr10-95627498-G-C. GRCh37 (hg19) VCF-style: chr10-97387255-G-C.
Other names: c.1016C>G, p.Thr339Arg (NM_001017423.2, NM_001323415.2); c.689C>G, p.Thr230Arg (NM_001323412.2, NM_001323416.2); c.1022C>G, p.Thr341Arg (NM_001323413.2, NM_001323414.2); c.917C>G, p.Thr306Arg (NM_001323417.2); c.683C>G, p.Thr228Arg (NM_001323418.2); c.386C>G, p.Thr129Arg (NM_001323419.2); short protein forms T129R, T228R, T230R, T306R, T339R, T341R.
Identifiers: ClinVar variation 1801942 (VCV001801942.1), dbSNP rs1418361174, ClinGen allele CA377703518.